The following is an entry in ClinVar:

ClinVar aggregate classification (germline): Pathogenic (1 of 4 stars; one submission).

Submission:

Labcorp Genetics (formerly Invitae), Labcorp
Classification: Pathogenic. Last evaluated: 2024-04-17. Review status: criteria provided, single submitter. Criteria: Invitae Variant Classification Sherloc (09022015). Collection method: clinical testing. Allele origin: germline.
Comment: This sequence change creates a premature translational stop signal (p.Gly29Argfs*71) in the KCNQ5 gene. It is expected to result in an absent or disrupted protein product. Loss-of-function variants in KCNQ5 are known to be pathogenic (PMID: 28669405, 35583973, 36088682). This variant is not present in population databases (gnomAD no frequency). This variant has not been reported in the literature in individuals affected with KCNQ5-related conditions. For these reasons, this variant has been classified as Pathogenic.

Literature cited by the submitters: PubMed 28669405; PubMed 35583973; PubMed 36088682.

NM_019842.4(KCNQ5):c.84dup (p.Gly29fs)

Genes: KCNQ5 (potassium voltage-gated channel subfamily Q member 5; plus strand), KCNQ5-DT (KCNQ5 divergent transcript; minus strand), LOC129996711 (ATAC-STARR-seq lymphoblastoid silent region 17329; plus strand). Cytogenetic location: 6q13.
Variant type: Duplication.
Coding change: c.84dup on transcript NM_019842.4 (MANE Select); coding-DNA position 84, one base duplicated (C; older notation c.84dupC).
Protein change: p.Gly29fs; shifts the reading frame from glycine 29.
Molecular consequence: frameshift variant.
Genome position (GRCh38, 1-based): chr6:72,622,273, C duplicated. VCF-style (leftmost placement, unchanged base first): chr6-72622272-G-GC. GRCh37 (hg19) VCF-style: chr6-73332000-G-GC.
Other names: c.84dup, p.Gly29fs (NM_001160130.2, NM_001160132.2, NM_001160133.2 and 1 more transcripts); short protein forms G29fs.
Identifiers: ClinVar variation 2809936 (VCV002809936.3), dbSNP rs2481566230, ClinGen allele CA2739273202.